The following is an entry in ClinVar:

ClinVar aggregate classification (germline): Likely pathogenic (1 of 4 stars; one submission).

Conditions:
Maple syrup urine disease (MSUD). Identifiers: Orphanet 511, MedGen C0024776, MeSH D008375, MONDO:0009563. Disease mechanism: loss of function.

Allele frequency attached by ClinVar (database versions not stated): gnomAD exomes below 0.00001.

Submission:

Myriad Genetics, Inc.
Classification: Likely pathogenic for Maple syrup urine disease type 1A. Last evaluated: 2022-02-25. Review status: criteria provided, single submitter. Criteria: Myriad Women's Health Autosomal Recessive and X-Linked Classification Criteria (2021). Collection method: clinical testing. Allele origin: unknown.
Comment: NM_000709.3(BCKDHA):c.469C>T(Q157*) is expected to be pathogenic in the context of maple syrup urine disease type Ia. This variant is predicted to lead to an abnormal or absent protein product due to the creation of a premature termination codon in BCKDHA, a gene where loss-of-function variants are known to be pathogenic. Please note: this variant was assessed in the context of healthy population screening.

NM_000709.4(BCKDHA):c.469C>T (p.Gln157Ter)

Gene: BCKDHA (branched chain keto acid dehydrogenase E1 subunit alpha; plus strand). Cytogenetic location: 19q13.2.
Variant type: single nucleotide variant.
Coding change: c.469C>T on transcript NM_000709.4 (MANE Select); coding-DNA position 469, C replaced by T.
Protein change: p.Gln157Ter; replaces glutamine 157 with a stop codon.
Molecular consequence: nonsense.
Genome position (GRCh38, 1-based): chr19:41,414,142, C>T. VCF-style: chr19-41414142-C-T. GRCh37 (hg19) VCF-style: chr19-41920047-C-T.
Other names: c.469C>T, p.Gln157Ter (NM_001164783.2); short protein forms Q157*.
Identifiers: ClinVar variation 1724693 (VCV001724693.2), dbSNP rs2513454434, ClinGen allele CA406008318.